The following is an entry in ClinVar:

ClinVar aggregate classification (germline): Benign/Likely benign. Review status: criteria provided, multiple submitters, no conflicts (2 of 4 stars). 8 submissions from 8 submitters: Benign (3); Likely benign (2). 3 of the submissions do not count toward it. Last evaluated 2026-08-01.

Conditions:
OPLAH-related disorder. Also called: OPLAH-related condition.
5-Oxoprolinase deficiency (OPLAHD). Also called: 5-OXOPROLINURIA DUE TO 5-OXOPROLINASE DEFICIENCY. Identifiers: Orphanet 33572, MedGen C0268525, MONDO:0009825, OMIM 260005, HP:0040142.

Allele frequency attached by ClinVar (database versions not stated): 1000 Genomes Project 0.00399; 1000 Genomes Project 30x 0.00484; TOPMed 0.00820; gnomAD 0.00867 and 0.00843; ExAC 0.02055; ESP Exome Variant Server 0.00592.

Submissions (8):

CeGaT Center for Human Genetics Tuebingen
Classification: Likely benign. Last evaluated: 2026-08-01. Review status: criteria provided, single submitter. Criteria: CeGaT Center For Human Genetics Tuebingen Variant Classification Criteria Version 2. Collection method: clinical testing. Allele origin: germline. Affected: yes. Observed: 3 variant alleles.
Comment: OPLAH: PM5, BS1, BS2

Labcorp Genetics (formerly Invitae), Labcorp
Classification: Benign for 5-Oxoprolinase deficiency. Last evaluated: 2026-01-24. Review status: criteria provided, single submitter. Criteria: Invitae Variant Classification Sherloc (09022015). Collection method: clinical testing. Allele origin: germline.

Department of Pathology and Laboratory Medicine, Sinai Health System
Classification: Benign for 5-Oxoprolinase deficiency. Last evaluated: 2022-11-19. Review status: criteria provided, single submitter. Criteria: ACMG Guidelines, 2015. Collection method: research. Allele origin: germline.

Fulgent Genetics
Classification: Likely benign for 5-Oxoprolinase deficiency. Last evaluated: 2021-08-16. Review status: criteria provided, single submitter. Criteria: ACMG Guidelines, 2015. Collection method: clinical testing. Allele origin: unknown.

Breakthrough Genomics
Classification: Benign. Review status: criteria provided, single submitter. Criteria: ACMG Guidelines, 2015. Collection method: not provided. Allele origin: germline. Inheritance: Autosomal recessive inheritance. Affected: yes.

PreventionGenetics, part of Exact Sciences
Classification: Likely benign for OPLAH-related condition. Last evaluated: 2020-11-30. Review status: no assertion criteria provided. Collection method: clinical testing. Allele origin: germline. Not counted in ClinVar's aggregate classification.
Comment: This variant is classified as likely benign based on ACMG/AMP sequence variant interpretation guidelines (Richards et al. 2015 PMID: 25741868, with internal and published modifications).

Reproductive Health Research and Development, BGI Genomics
Classification: Benign for 5-Oxoprolinase deficiency. Last evaluated: 2020-01-06. Review status: no assertion criteria provided. Collection method: curation. Allele origin: germline. Not counted in ClinVar's aggregate classification.
Comment: NM_017570.3:c.3265G>A in the OPLAH gene has an allele frequency of 0.024 in Latino subpopulation in the gnomAD database, including 13 homozygous occurrences. It has been detected in heterozygous state in one individual with 5-oxoprolinuria (PMID: 23430506). Taken together, we interprete this variant as Benign/Likely benign variant. ACMG/AMP criteria applied: BS1, BS2, PP4.

OMIM
Classification: Pathogenic for 5-OXOPROLINASE DEFICIENCY. Last evaluated: 2013-01-01. Review status: no assertion criteria provided. Collection method: literature only. Allele origin: germline. Not counted in ClinVar's aggregate classification.

Literature cited by the submitters: PubMed 23430506 (cited by OMIM).

NM_017570.5(OPLAH):c.3265G>A (p.Val1089Ile)

Gene: OPLAH (5-oxoprolinase, ATP-hydrolysing; minus strand). Cytogenetic location: 8q24.3.
Variant type: single nucleotide variant.
Coding change: c.3265G>A on transcript NM_017570.5 (MANE Select); coding-DNA position 3265, G replaced by A.
Protein change: p.Val1089Ile; replaces valine 1089 with isoleucine.
Molecular consequence: missense variant.
Genome position (GRCh38, 1-based): chr8:144,052,487, C>T on the plus strand (G>A on the coding strand, the complement: OPLAH is on the minus strand). VCF-style: chr8-144052487-C-T. GRCh37 (hg19) VCF-style: chr8-145107390-C-T.
Other names: OPLAH, VAL1089ILE (rs185836803); c.3265G>A (NM_017570.4); short protein forms V1089I.
Identifiers: ClinVar variation 39636 (VCV000039636.16), dbSNP rs185836803, ClinGen allele CA130411.